The following is an entry in ClinVar:

NM_001177701.3(IFT27):c.-1C>T

Genes: IFT27 (intraflagellar transport 27; minus strand), LOC130067336 (ATAC-STARR-seq lymphoblastoid silent region 13671; plus strand). Cytogenetic location: 22q12.3.
Variant type: single nucleotide variant.
Coding change: c.-1C>T on transcript NM_001177701.3 (MANE Select); 1 bases upstream of the start codon, C replaced by T.
Molecular consequence: 5 prime UTR variant. On other transcripts: non-coding transcript variant (1).
Genome position (GRCh38, 1-based): chr22:36,775,708, G>A on the plus strand (C>T on the coding strand, the complement: IFT27 is on the minus strand). VCF-style: chr22-36775708-G-A. GRCh37 (hg19) VCF-style: chr22-37171752-G-A.
Other names: c.-1C>T (NM_001363003.2, NM_006860.5).
Identifiers: ClinVar variation 3060637 (VCV003060637.4), dbSNP rs143443220, ClinGen allele CA10212587.

ClinVar aggregate classification (germline): Likely benign. Review status: criteria provided, single submitter (1 of 4 stars). 3 submissions from 3 submitters: Likely benign (1). 2 of the submissions do not count toward it. Last evaluated 2024-10-04.

Conditions:
Retinal dystrophy. Also called: Inherited retinal dystrophy. Identifiers: Orphanet 71862, MedGen C0854723, MeSH D058499, MONDO:0019118, HP:0000556.
IFT27-related disorder. Also called: IFT27-related condition.

Allele frequency attached by ClinVar (database versions not stated): TOPMed 0.00049; gnomAD 0.00051; gnomAD exomes 0.00072; ESP Exome Variant Server 0.00092; ExAC 0.00048.
gnomAD v4.1: 1,110 of 1,613,978 alleles (0.069%); highest among the groups gnomAD compares: Non-Finnish European, 0.09%; 2 homozygotes.

Submissions (3):

Blueprint Genetics
Classification: Likely benign. Last evaluated: 2024-10-04. Review status: criteria provided, single submitter. Criteria: ACMG Guidelines, 2015. Collection method: clinical testing. Allele origin: germline.

Institute of Human Genetics, Univ. Regensburg, Univ. Regensburg
Classification: Uncertain significance for Retinal dystrophy. Last evaluated: 2022-01-01. Review status: no assertion criteria provided. Criteria: ACMG Guidelines, 2015. Collection method: clinical testing. Allele origin: germline. Affected: yes. Not counted in ClinVar's aggregate classification.

PreventionGenetics, part of Exact Sciences
Classification: Likely benign for IFT27-related condition. Last evaluated: 2019-08-01. Review status: no assertion criteria provided. Collection method: clinical testing. Allele origin: germline. Not counted in ClinVar's aggregate classification.
Comment: This variant is classified as likely benign based on ACMG/AMP sequence variant interpretation guidelines (Richards et al. 2015 PMID: 25741868, with internal and published modifications).